The following is an entry in ClinVar:

NM_003072.5(SMARCA4):c.2207_2210dup (p.Val738fs)

Gene: SMARCA4 (SWI/SNF related BAF chromatin remodeling complex subunit ATPase 4; plus strand). Cytogenetic location: 19p13.2.
Variant type: Duplication.
Coding change: c.2207_2210dup on transcript NM_003072.5 (MANE Select); coding-DNA positions 2207 to 2210, 4 bases duplicated (ATGC; older notation c.2207_2210dupATGC).
Protein change: p.Val738fs; shifts the reading frame from valine 738.
Molecular consequence: frameshift variant. On other transcripts: non-coding transcript variant (1).
Genome position (GRCh38, 1-based): chr19:11,010,464-11,010,467, ATGC duplicated; duplicating any 4 consecutive bases within chr19:11,010,463-11,010,467 gives the same sequence; the c. name uses the placement nearest the transcript's 3' end. VCF-style (leftmost placement, unchanged base first): chr19-11010462-C-CCATG. GRCh37 (hg19) VCF-style: chr19-11121138-C-CCATG.
Other names: c.2207_2210dup, p.Val738fs (NM_001128844.3, NM_001128845.2, NM_001128846.2 and 6 more transcripts); short protein forms V738fs.
Identifiers: ClinVar variation 4549381 (VCV004549381.1).

ClinVar aggregate classification (germline): Pathogenic (1 of 4 stars; one submission).

Conditions:
Hereditary cancer-predisposing syndrome. Also called: Tumor predisposition; Hereditary Cancer Syndrome; Hereditary neoplastic syndrome; Neoplastic Syndromes, Hereditary. Identifiers: Orphanet 140162, MedGen C0027672, MeSH D009386, MONDO:0015356.

Submission:

Ambry Genetics
Classification: Pathogenic for Hereditary cancer-predisposing syndrome. Last evaluated: 2025-10-28. Review status: criteria provided, single submitter. Criteria: Ambry Variant Classification Scheme 2023. Collection method: clinical testing. Allele origin: germline.
Comment: The c.2207_2210dupATGC pathogenic mutation, located in coding exon 14 of the SMARCA4 gene, results from a duplication of ATGC at nucleotide position 2207, causing a translational frameshift with a predicted alternate stop codon (p.V738Cfs*4). This variant is considered to be rare based on population cohorts in the Genome Aggregation Database (gnomAD). This alteration is expected to result in loss of function by premature protein truncation or nonsense-mediated mRNA decay. Loss-of-function variants in SMARCA4 are known to cause rhabdoid tumor predisposition syndrome including small cell carcinoma of the ovary-hypercalcemic type (SCCOHT); however, such associations with neurodevelopmental disorders are exceedingly rare (Kosho T et al. Am J Med Genet C Semin Med Genet. 2014 Sep;166C(3):262-75; Jelinic P et al. Nat Genet. 2014 May;46(5):424-6). Based on the supporting evidence, this alteration is pathogenic for rhabdoid tumor predisposition syndrome; however, the association of this alteration with Coffin-Siris syndrome is unlikely.